The following is an entry in ClinVar:

ClinVar aggregate classification (germline): Pathogenic (1 of 4 stars; one submission).

Conditions:
Transcobalamin II deficiency (TCN2D). Also called: TC II DEFICIENCY; TCN2 DEFICIENCY; Transcolabamin II deficiency. Identifiers: Orphanet 859, MedGen C0342701, MONDO:0010149, OMIM 275350.

Submission:

Labcorp Genetics (formerly Invitae), Labcorp
Classification: Pathogenic for Transcobalamin II deficiency. Last evaluated: 2022-11-07. Review status: criteria provided, single submitter. Criteria: Invitae Variant Classification Sherloc (09022015). Collection method: clinical testing. Allele origin: germline.
Comment: This variant has not been reported in the literature in individuals affected with TCN2-related conditions. This variant is not present in population databases (gnomAD no frequency). This sequence change creates a premature translational stop signal (p.Glu364*) in the TCN2 gene. It is expected to result in an absent or disrupted protein product. Loss-of-function variants in TCN2 are known to be pathogenic (PMID: 7980584, 20352340). Algorithms developed to predict the effect of sequence changes on RNA splicing suggest that this variant may disrupt the consensus splice site. For these reasons, this variant has been classified as Pathogenic.

Literature cited by the submitters: PubMed 7980584; PubMed 20352340.

NM_000355.4(TCN2):c.1090G>T (p.Glu364Ter)

Gene: TCN2 (transcobalamin 2; plus strand). Cytogenetic location: 22q12.2.
Variant type: single nucleotide variant.
Coding change: c.1090G>T on transcript NM_000355.4 (MANE Select); coding-DNA position 1090, G replaced by T.
Protein change: p.Glu364Ter; replaces glutamic acid 364 with a stop codon.
Molecular consequence: nonsense.
Genome position (GRCh38, 1-based): chr22:30,617,479, G>T. VCF-style: chr22-30617479-G-T. GRCh37 (hg19) VCF-style: chr22-31013466-G-T.
Other names: c.1009G>T, p.Glu337Ter (NM_001184726.2); short protein forms E364*, E337*.
Identifiers: ClinVar variation 2812675 (VCV002812675.3), dbSNP rs2087630072, ClinGen allele CA411215792.
Genomic context (GRCh38, chr22:30,617,479, plus strand): 5'-AGACAGTCCATCTCTGTTCTGGCCGGGTCCACCGTGGAAGATGTCCTGAAGAAGGCCCAT[G>T]AGTTAGGAGGATTCACGTGAGACTCCCACCTCCCAGTCCTCACCCCACCCAACCTCACAT-3'